The following is an entry in ClinVar:

NM_000052.7(ATP7A):c.2458G>C (p.Ala820Pro)

Gene: ATP7A (ATPase copper transporting alpha; plus strand). Cytogenetic location: Xq21.1.
Variant type: single nucleotide variant.
Coding change: c.2458G>C on transcript NM_000052.7 (MANE Select); coding-DNA position 2458, G replaced by C.
Protein change: p.Ala820Pro; replaces alanine 820 with proline.
Molecular consequence: missense variant.
Genome position (GRCh38, 1-based): chrX:78,014,713, G>C. VCF-style: chrX-78014713-G-C. GRCh37 (hg19) VCF-style: chrX-77270210-G-C.
Other names: c.2224G>C, p.Ala742Pro (NM_001282224.2); short protein forms A820P, A742P.
Identifiers: ClinVar variation 465111 (VCV000465111.9), dbSNP rs1557234938, ClinGen allele CA413599998.
Genomic context (GRCh38, chrX:78,014,713, plus strand): 5'-AATTTATAGGGCAAAACATCAGAGGCTCTTGCAAAGTTAATTTCACTACAAGCTACAGAA[G>C]CAACTATTGTAACTCTTGATTCTGATAATATCCTCCTCAGGTATTTATCTTCACTCTTCC-3'
Protein context (NP_000043.4, residues 810-830): AKLISLQATE[Ala820Pro]TIVTLDSDNI

ClinVar aggregate classification (germline): Uncertain significance (1 of 4 stars; one submission).

Conditions:
Cutis laxa, X-linked (OHS). Also called: EDS IX; Occipital horn syndrome. Identifiers: Orphanet 198, MedGen C0268353, MONDO:0010572, OMIM 304150.
Menkes kinky-hair syndrome (MNK). Also called: Classic Menkes Disease; Copper transport disease; Menkes Disease. Identifiers: Orphanet 565, MedGen C0022716, MONDO:0010651, OMIM 309400.
X-linked distal spinal muscular atrophy type 3. Also called: SPINAL MUSCULAR ATROPHY, DISTAL, X-LINKED RECESSIVE; ATP7A-Related Distal Motor Neuropathy; NEURONOPATHY, DISTAL HEREDITARY MOTOR, X-LINKED; NEUROPATHY, DISTAL HEREDITARY MOTOR, X-LINKED. Identifiers: Orphanet 139557, MedGen C1845359, MONDO:0010338, OMIM 300489.

Submission:

Labcorp Genetics (formerly Invitae), Labcorp
Classification: Uncertain significance for X-linked distal spinal muscular atrophy type 3; Cutis laxa, X-linked; Menkes kinky-hair syndrome. Last evaluated: 2017-04-17. Review status: criteria provided, single submitter. Criteria: Invitae Variant Classification Sherloc (09022015). Collection method: clinical testing. Allele origin: germline.
Comment: Algorithms developed to predict the effect of missense changes on protein structure and function do not agree on the potential impact of this missense change (SIFT: "Deleterious"; PolyPhen-2: "Probably Damaging"; Align-GVGD: "Class C0"). In summary, this variant is a novel missense change with uncertain impact on protein function. It has been classified as a Variant of Uncertain Significance. This variant is not present in population databases (ExAC no frequency) and has not been reported in the literature in individuals with an ATP7A-related disease. This sequence change replaces alanine with proline at codon 820 of the ATP7A protein (p.Ala820Pro). The alanine residue is highly conserved and there is a small physicochemical difference between alanine and proline.